The following is an entry in ClinVar:

NM_001370259.2(MEN1):c.913-11_913-6dup

Gene: MEN1 (menin 1; minus strand). Cytogenetic location: 11q13.1.
Variant type: Duplication.
Coding change: c.913-11_913-6dup on transcript NM_001370259.2 (MANE Select); 11 bases into the intron before coding-DNA position 913 through 6 bases into the intron before coding-DNA position 913, 6 bases duplicated (CCTCCA; older notation c.913-11_913-6dupCCTCCA).
Molecular consequence: intron variant.
Genome position (GRCh38, 1-based): chr11:64,806,374-64,806,379, TGGAGG duplicated on the plus strand (CCTCCA on the coding strand, the reverse complement: MEN1 is on the minus strand); duplicating any 6 consecutive bases within chr11:64,806,374-64,806,381 gives the same sequence; the c. name uses the placement nearest the transcript's 3' end. VCF-style (leftmost placement, unchanged base first): chr11-64806373-A-ATGGAGG. GRCh37 (hg19) VCF-style: chr11-64573845-A-ATGGAGG.
Other names: c.928-11_928-6dup (NM_130804.3, NM_130803.3, NM_000244.4 and 5 more transcripts); c.808-11_808-6dup (NM_001407148.1, NM_001407149.1, NM_001407151.1 and 2 more transcripts); c.913-11_913-6dup (NM_130799.3, NM_001407144.1, NM_001370260.2 and 7 more transcripts).
Identifiers: ClinVar variation 3070537 (VCV003070537.1), dbSNP rs2497177353, ClinGen allele CA2825002033.

ClinVar aggregate classification (germline): Likely benign (1 of 4 stars; one submission).

Conditions:
Multiple endocrine neoplasia, type 1 (MEN1). Also called: Endocrine adenomatosis multiple; MEN 1; MEA I; MEN I; WERMER SYNDROME. Identifiers: Orphanet 652, MedGen C0025267, MeSH D018761, MONDO:0007540, OMIM 131100.

Submission:

All of Us Research Program, National Institutes of Health
Classification: Likely benign for Multiple endocrine neoplasia, type 1. Last evaluated: 2023-04-28. Review status: criteria provided, single submitter. Criteria: ACMG Guidelines, 2015. Collection method: clinical testing. Allele origin: germline. Inheritance: Autosomal dominant inheritance. Observed: 1 variant allele, 1 heterozygote.
Comment: This study involves interpretation of variants in research participants for the purpose of population health screening. Participant phenotype was not available at the time of variant classification. Additional details can be found in publication PMID: 35346344, PMCID: PMC8962531